The following is an entry in ClinVar:

ClinVar aggregate classification (germline): Uncertain significance (1 of 4 stars; one submission).

Conditions:
Combined oxidative phosphorylation deficiency 55 (COXPD55). Identifiers: MedGen C5676915, MONDO:0859228, OMIM 619743.

Submission:

Juno Genomics, Hangzhou Juno Genomics, Inc
Classification: Uncertain significance for Combined oxidative phosphorylation deficiency 55. Review status: criteria provided, single submitter. Criteria: ACMG Guidelines, 2015. Collection method: clinical testing. Allele origin: germline.
Comment: Absent from controls (or at extremely low frequency if recessive) in Genome Aggregation Database.;Multiple lines of computational evidence support a deleterious effect on the gene or gene product.

NM_005035.4(POLRMT):c.3477T>G (p.Asp1159Glu)

Gene: POLRMT (RNA polymerase mitochondrial; minus strand). Cytogenetic location: 19p13.3.
Variant type: single nucleotide variant.
Coding change: c.3477T>G on transcript NM_005035.4 (MANE Select); coding-DNA position 3477, T replaced by G.
Protein change: p.Asp1159Glu; replaces aspartic acid 1159 with glutamic acid.
Molecular consequence: missense variant. On other transcripts: non-coding transcript variant (1).
Genome position (GRCh38, 1-based): chr19:617,795, A>C on the plus strand (T>G on the coding strand, the complement: POLRMT is on the minus strand). VCF-style: chr19-617795-A-C. GRCh37 (hg19) VCF-style: chr19-617795-A-C.
Other names: c.3498T>G, p.Asp1166Glu (NM_001407805.1); c.3489T>G, p.Asp1163Glu (NM_001407806.1); c.3486T>G, p.Asp1162Glu (NM_001407807.1, NM_001407808.1); c.3468T>G, p.Asp1156Glu (NM_001407809.1); c.3465T>G, p.Asp1155Glu (NM_001407810.1); c.3456T>G, p.Asp1152Glu (NM_001407811.1); c.3438T>G, p.Asp1146Glu (NM_001407812.1); c.3435T>G, p.Asp1145Glu (NM_001407813.1); and 10 more; short protein forms D1025E, D1038E, D1048E, D1051E, D1058E, D1084E, D1125E, D1126E.
Identifiers: ClinVar variation 5019271 (VCV005019271.2).